The following is an entry in ClinVar:

NM_001148.6(ANK2):c.9710_9711del (p.Ser3237fs)

Gene: ANK2 (ankyrin 2; plus strand). Cytogenetic location: 4q26.
Variant type: Microsatellite.
Coding change: c.9710_9711del on transcript NM_001148.6 (MANE Select); coding-DNA positions 9710 to 9711, 2 bases deleted (CT; older notation c.9710_9711delCT).
Protein change: p.Ser3237fs; shifts the reading frame from serine 3237.
Molecular consequence: frameshift variant. On other transcripts: intron variant (68).
Genome position (GRCh38, 1-based): chr4:113,358,328-113,358,329, CT deleted; deleting any 2 consecutive bases within chr4:113,358,322-113,358,329 gives the same sequence; the c. name uses the placement nearest the transcript's 3' end. VCF-style (leftmost placement, unchanged base first): chr4-113358321-CCT-C. GRCh37 (hg19) VCF-style: chr4-114279477-CCT-C.
Other names: c.9476_9477del, p.Ser3159fs (NM_001386142.1); c.6110_6111del, p.Ser2037fs (NM_001386166.1); c.9851_9852del, p.Ser3284fs (NM_001386174.1); c.9827_9828del, p.Ser3276fs (NM_001386175.1); c.4412-2501CT[3] (NM_001386186.2, NM_001386148.2); c.4214-2501CT[3] (NM_001354269.3); c.4292-2501CT[3] (NM_001386187.2); c.4253-2501CT[3] (NM_001386147.1); and 35 more; short protein forms S2037fs, S3159fs, S3237fs, S3276fs, S3284fs.
Identifiers: ClinVar variation 5038236 (VCV005038236.1).

ClinVar aggregate classification (germline): Likely pathogenic (1 of 4 stars; one submission).

Conditions:
Cardiac arrhythmia, ankyrin-B-related. Also called: ANKYRIN-B SYNDROME. Identifiers: Orphanet 101016, Orphanet 768, MedGen C1970119, MONDO:0010958, OMIM 600919.

Submission:

MVZ Medizinische Genetik Mainz
Classification: Likely pathogenic for Cardiac arrhythmia, ankyrin-B-related. Last evaluated: 2026-06-08. Review status: criteria provided, single submitter. Criteria: UK Practice Guidelines For Variant Classification V4 01 2020. Collection method: clinical testing. Allele origin: germline. Inheritance: Autosomal dominant inheritance. Affected: yes. Observed: 1 variant allele.
Comment: ACMG Criteria: PVS1,PM2_SUP